The following is an entry in ClinVar:

ClinVar aggregate classification (germline): Uncertain significance (1 of 4 stars; one submission).

Conditions:
Hereditary cancer-predisposing syndrome. Also called: Neoplastic Syndromes, Hereditary; Hereditary neoplastic syndrome; Tumor predisposition; Hereditary Cancer Syndrome. Identifiers: Orphanet 140162, MedGen C0027672, MeSH D009386, MONDO:0015356.

Submission:

Ambry Genetics
Classification: Uncertain significance for Hereditary cancer-predisposing syndrome. Last evaluated: 2022-12-09. Review status: criteria provided, single submitter. Criteria: Ambry Variant Classification Scheme 2023. Collection method: clinical testing. Allele origin: germline.
Comment: The p.M249I variant (also known as c.747G>A), located in coding exon 2 of the ALK gene, results from a G to A substitution at nucleotide position 747. The methionine at codon 249 is replaced by isoleucine, an amino acid with highly similar properties. This amino acid position is conserved. In addition, the in silico prediction for this alteration is inconclusive. Since supporting evidence is limited at this time, the clinical significance of this alteration remains unclear.

NM_004304.5(ALK):c.747G>A (p.Met249Ile)

Gene: ALK (ALK receptor tyrosine kinase; minus strand). Cytogenetic location: 2p23.2.
Variant type: single nucleotide variant.
Coding change: c.747G>A on transcript NM_004304.5 (MANE Select); coding-DNA position 747, G replaced by A.
Protein change: p.Met249Ile; replaces methionine 249 with isoleucine.
Molecular consequence: missense variant.
Genome position (GRCh38, 1-based): chr2:29,717,618, C>T on the plus strand (G>A on the coding strand, the complement: ALK is on the minus strand). VCF-style: chr2-29717618-C-T. GRCh37 (hg19) VCF-style: chr2-29940484-C-T.
Other names: short protein forms M249I.
Identifiers: ClinVar variation 2477497 (VCV002477497.2), dbSNP rs2148307270, ClinGen allele CA346587689.
Genomic context (GRCh38, chr2:29,717,618, plus strand): 5'-AATATTAAACATATACTTACCATATCGGCTGCGATGAGACAGGAAAGGGAAGGAGTCTTT[C>T]ATTATCCAGGTGAGATTCCATGTAAAATAATCAGGAGAAGGAGAAGGCATGTTTGTTGGT-3'
Protein context (NP_004295.2, residues 239-259): DYFTWNLTWI[Met249Ile]KDSFPFLSHR